The following is an entry in ClinVar:

ClinVar aggregate classification (germline): Uncertain significance (1 of 4 stars; one submission).

Conditions:
Autosomal dominant Parkinson disease 8. Also called: LRRK2-Related Parkinson Disease; Parkinson disease 8; Parkinson disease 8, susceptibility to. Identifiers: Orphanet 411602, MedGen C1846862, MONDO:0011764, OMIM 607060.

Submission:

Labcorp Genetics (formerly Invitae), Labcorp
Classification: Uncertain significance for Autosomal dominant Parkinson disease 8. Last evaluated: 2022-02-06. Review status: criteria provided, single submitter. Criteria: Invitae Variant Classification Sherloc (09022015). Collection method: clinical testing. Allele origin: germline.
Comment: Variants that disrupt the consensus splice site are a relatively common cause of aberrant splicing (PMID: 17576681, 9536098). Algorithms developed to predict the effect of sequence changes on RNA splicing suggest that this variant may disrupt the consensus splice site. ClinVar contains an entry for this variant (Variation ID: 937316). This variant has not been reported in the literature in individuals affected with LRRK2-related conditions. This variant is not present in population databases (gnomAD no frequency). This sequence change falls in intron 19 of the LRRK2 gene. It does not directly change the encoded amino acid sequence of the LRRK2 protein. It affects a nucleotide within the consensus splice site. In summary, the available evidence is currently insufficient to determine the role of this variant in disease. Therefore, it has been classified as a Variant of Uncertain Significance.

Literature cited by the submitters: PubMed 17576681; PubMed 9536098.

NM_198578.4(LRRK2):c.2500+6T>C

Gene: LRRK2 (leucine rich repeat kinase 2; plus strand). Cytogenetic location: 12q12.
Variant type: single nucleotide variant.
Coding change: c.2500+6T>C on transcript NM_198578.4 (MANE Select); 6 bases into the intron after coding-DNA position 2500, T replaced by C.
Molecular consequence: intron variant.
Genome position (GRCh38, 1-based): chr12:40,284,139, T>C. VCF-style: chr12-40284139-T-C. GRCh37 (hg19) VCF-style: chr12-40677941-T-C.
Identifiers: ClinVar variation 937316 (VCV000937316.7), dbSNP rs1943818293, ClinGen allele CA1139662568.
Genomic context (GRCh38, chr12:40,284,139, plus strand): 5'-TCTTGGCTTGGTCCTTTATTTCCAGATAAGACTTCTAATTTAAGGAAACAAACAAGTAAG[T>C]AACAAGGAGAATATTTTTTACAATTCTTATTTTTAATAGTATTTTTTTAAGTCACTAGTC-3'